The following is an entry in ClinVar:

ClinVar aggregate classification (germline): Uncertain significance (1 of 4 stars; one submission).

Conditions:
Dyskeratosis congenita, autosomal recessive 6 (DKCB6). Identifiers: MedGen C4225356, MONDO:0014600, OMIM 616353.
Pulmonary fibrosis and/or bone marrow failure, Telomere-related, 4. Also called: PULMONARY FIBROSIS AND/OR BONE MARROW FAILURE SYNDROME, TELOMERE-RELATED, 4. Identifiers: Orphanet 2032, MedGen C4225347, MONDO:0014612, OMIM 616371.

Allele frequency attached by ClinVar (database versions not stated): gnomAD 0.00003; gnomAD exomes 0.00009 and 0.00017; ExAC 0.00021; 1000 Genomes Project 0.00060; 1000 Genomes Project 30x 0.00062.
gnomAD v4.1: 133 of 1,609,338 alleles (0.0083%); highest among the groups gnomAD compares: South Asian, 0.14%; no homozygotes.

Submission:

Labcorp Genetics (formerly Invitae), Labcorp
Classification: Uncertain significance for Dyskeratosis congenita, autosomal recessive 6; Pulmonary fibrosis and/or bone marrow failure, Telomere-related, 4. Last evaluated: 2024-09-10. Review status: criteria provided, single submitter. Criteria: Invitae Variant Classification Sherloc (09022015). Collection method: clinical testing. Allele origin: germline.
Comment: This sequence change replaces lysine, which is basic and polar, with glutamic acid, which is acidic and polar, at codon 405 of the PARN protein (p.Lys405Glu). This variant is present in population databases (rs548716060, gnomAD 0.1%). This variant has not been reported in the literature in individuals affected with PARN-related conditions. ClinVar contains an entry for this variant (Variation ID: 1445675). Invitae Evidence Modeling of protein sequence and biophysical properties (such as structural, functional, and spatial information, amino acid conservation, physicochemical variation, residue mobility, and thermodynamic stability) indicates that this missense variant is not expected to disrupt PARN protein function with a negative predictive value of 80%. In summary, the available evidence is currently insufficient to determine the role of this variant in disease. Therefore, it has been classified as a Variant of Uncertain Significance.

NM_002582.4(PARN):c.1213A>G (p.Lys405Glu)

Gene: PARN (poly(A)-specific ribonuclease; minus strand). Cytogenetic location: 16p13.12.
Variant type: single nucleotide variant.
Coding change: c.1213A>G on transcript NM_002582.4 (MANE Select); coding-DNA position 1213, A replaced by G.
Protein change: p.Lys405Glu; replaces lysine 405 with glutamic acid.
Molecular consequence: missense variant.
Genome position (GRCh38, 1-based): chr16:14,580,923, T>C on the plus strand (A>G on the coding strand, the complement: PARN is on the minus strand). VCF-style: chr16-14580923-T-C. GRCh37 (hg19) VCF-style: chr16-14674780-T-C.
Other names: c.1030A>G, p.Lys344Glu (NM_001134477.3); c.1075A>G, p.Lys359Glu (NM_001242992.2); short protein forms K359E, K405E, K344E.
Identifiers: ClinVar variation 1445675 (VCV001445675.8), dbSNP rs548716060, ClinGen allele CA7912106.